The following is an entry in ClinVar:

NM_020937.4(FANCM):c.3280T>G (p.Leu1094Val)

Gene: FANCM (FA complementation group M; plus strand). Cytogenetic location: 14q21.2.
Variant type: single nucleotide variant.
Coding change: c.3280T>G on transcript NM_020937.4 (MANE Select); coding-DNA position 3280, T replaced by G.
Protein change: p.Leu1094Val; replaces leucine 1094 with valine.
Molecular consequence: missense variant.
Genome position (GRCh38, 1-based): chr14:45,176,034, T>G. VCF-style: chr14-45176034-T-G. GRCh37 (hg19) VCF-style: chr14-45645237-T-G.
Other names: c.3202T>G, p.Leu1068Val (NM_001308133.2); short protein forms L1094V, L1068V.
Identifiers: ClinVar variation 3848808 (VCV003848808.1).
Genomic context (GRCh38, chr14:45,176,034, plus strand): 5'-ATTTCTGATGAGCCAAGTCTCTGTGACTGTGATGTACATAAACATAATCAAAATGAAAAT[T>G]TAGTACCTAACAATCGTGTTCAAATACACAGAAGCCCTGCACAGAATTTAGTTGGAGAGA-3'
Protein context (NP_065988.1, residues 1084-1104): DVHKHNQNEN[Leu1094Val]VPNNRVQIHR

ClinVar aggregate classification (germline): Uncertain significance (1 of 4 stars; one submission).

Conditions:
Inborn genetic diseases. Identifiers: MedGen C0950123, MeSH D030342.

Submission:

Ambry Genetics
Classification: Uncertain significance for Inborn genetic diseases. Last evaluated: 2025-03-08. Review status: criteria provided, single submitter. Criteria: Ambry Variant Classification Scheme 2023. Collection method: clinical testing. Allele origin: germline.
Comment: The p.L1094V variant (also known as c.3280T>G), located in coding exon 14 of the FANCM gene, results from a T to G substitution at nucleotide position 3280. The leucine at codon 1094 is replaced by valine, an amino acid with highly similar properties. This amino acid position is conserved. In addition, this alteration is predicted to be tolerated by in silico analysis. Based on the available evidence, the clinical significance of this variant remains unclear.